The following is an entry in ClinVar:

ClinVar aggregate classification (germline): Uncertain significance (1 of 4 stars; one submission).

Conditions:
Inborn genetic diseases. Identifiers: MedGen C0950123, MeSH D030342.

Allele frequency attached by ClinVar (database versions not stated): ExAC 0.00014; ESP Exome Variant Server 0.00031; TOPMed 0.00032; gnomAD 0.00037.
gnomAD v4.1: 85 of 1,609,734 alleles (0.0053%); highest among the groups gnomAD compares: African/African-American, 0.096%; no homozygotes.

Submission:

Ambry Genetics
Classification: Uncertain significance for Inborn genetic diseases. Last evaluated: 2021-02-19. Review status: criteria provided, single submitter. Criteria: Ambry Variant Classification Scheme 2023. Collection method: clinical testing. Allele origin: germline.
Comment: The c.730C>T (p.R244C) alteration is located in exon 7 (coding exon 6) of the TMEM94 gene. This alteration results from a C to T substitution at nucleotide position 730, causing the arginine (R) at amino acid position 244 to be replaced by a cysteine (C). The in silico prediction for the p.R244C alteration is inconclusive. Based on insufficient or conflicting evidence, the clinical significance of this alteration remains unclear.

NM_014738.6(TMEM94):c.730C>T (p.Arg244Cys)

Gene: TMEM94 (transmembrane protein 94; plus strand). Cytogenetic location: 17q25.1.
Variant type: single nucleotide variant.
Coding change: c.730C>T on transcript NM_014738.6 (MANE Select); coding-DNA position 730, C replaced by T.
Protein change: p.Arg244Cys; replaces arginine 244 with cysteine.
Molecular consequence: missense variant.
Genome position (GRCh38, 1-based): chr17:75,488,876, C>T. VCF-style: chr17-75488876-C-T. GRCh37 (hg19) VCF-style: chr17-73484957-C-T.
Other names: c.760C>T, p.Arg254Cys (NM_001321148.2, NM_001351203.2); c.730C>T, p.Arg244Cys (NM_001321149.2, NM_001351202.2); short protein forms R244C, R254C.
Identifiers: ClinVar variation 2370449 (VCV002370449.2), dbSNP rs150597168, ClinGen allele CA8761568.
Genomic context (GRCh38, chr17:75,488,876, plus strand): 5'-CCCTCACCCCGGGGAGAAGTGGAGAGAGGGCCACAGAGCCCCCAGCAGCACCGGCTTTTC[C>T]GTGTCCTTGAGACCCCTGTGATTGACAACATCAGGTAGGGGTGCTGCCCCGCCTCCTCCT-3'
Protein context (NP_055553.3, residues 234-254): PQSPQQHRLF[Arg244Cys]VLETPVIDNI